The following is an entry in ClinVar:

NM_033004.4(NLRP1):c.1013T>C (p.Ile338Thr)

Gene: NLRP1 (NLR family pyrin domain containing 1; minus strand). Cytogenetic location: 17p13.2.
Variant type: single nucleotide variant.
Coding change: c.1013T>C on transcript NM_033004.4 (MANE Select); coding-DNA position 1013, T replaced by C.
Protein change: p.Ile338Thr; replaces isoleucine 338 with threonine.
Molecular consequence: missense variant.
Genome position (GRCh38, 1-based): chr17:5,559,683, A>G on the plus strand (T>C on the coding strand, the complement: NLRP1 is on the minus strand). VCF-style: chr17-5559683-A-G. GRCh37 (hg19) VCF-style: chr17-5463003-A-G.
Other names: c.1013T>C, p.Ile338Thr (NM_001033053.3, NM_014922.5, NM_033006.4 and 1 more transcripts); short protein forms I338T.
Identifiers: ClinVar variation 2807069 (VCV002807069.3), dbSNP rs2507941504, ClinGen allele CA397387295.

ClinVar aggregate classification (germline): Uncertain significance (1 of 4 stars; one submission).

Submission:

Labcorp Genetics (formerly Invitae), Labcorp
Classification: Uncertain significance. Last evaluated: 2023-08-17. Review status: criteria provided, single submitter. Criteria: Invitae Variant Classification Sherloc (09022015). Collection method: clinical testing. Allele origin: germline.
Comment: In summary, the available evidence is currently insufficient to determine the role of this variant in disease. Therefore, it has been classified as a Variant of Uncertain Significance. This sequence change replaces isoleucine, which is neutral and non-polar, with threonine, which is neutral and polar, at codon 338 of the NLRP1 protein (p.Ile338Thr). This variant is not present in population databases (gnomAD no frequency). This variant has not been reported in the literature in individuals affected with NLRP1-related conditions. Algorithms developed to predict the effect of missense changes on protein structure and function output the following: SIFT: "Not Available"; PolyPhen-2: "Benign"; Align-GVGD: "Not Available". The threonine amino acid residue is found in multiple mammalian species, which suggests that this missense change does not adversely affect protein function.